The following is an entry in ClinVar:

NM_024675.4(PALB2):c.583A>G (p.Ile195Val)

Gene: PALB2 (partner and localizer of BRCA2; minus strand). Cytogenetic location: 16p12.2.
Variant type: single nucleotide variant.
Coding change: c.583A>G on transcript NM_024675.4 (MANE Select); coding-DNA position 583, A replaced by G.
Protein change: p.Ile195Val; replaces isoleucine 195 with valine.
Molecular consequence: missense variant.
Genome position (GRCh38, 1-based): chr16:23,635,963, T>C on the plus strand (A>G on the coding strand, the complement: PALB2 is on the minus strand). VCF-style: chr16-23635963-T-C. GRCh37 (hg19) VCF-style: chr16-23647284-T-C.
Other names: short protein forms I195V.
Identifiers: ClinVar variation 231652 (VCV000231652.25), dbSNP rs760784181, ClinGen allele CA7963779.

ClinVar aggregate classification (germline): Conflicting classifications of pathogenicity. Review status: criteria provided, conflicting classifications (1 of 4 stars). 8 submissions from 8 submitters: Uncertain significance (5); Likely benign (2). 1 of the submissions does not count toward it. Last evaluated 2024-12-28.

Conditions:
Fanconi anemia complementation group N. Also called: PALB2-Related Fanconi Anemia. Identifiers: Orphanet 84, MedGen C1835817, MONDO:0012565, OMIM 610832. Disease mechanism: loss of function.
Pancreatic cancer, susceptibility to, 3. Identifiers: Orphanet 1333, MedGen C3150547, MONDO:0013236, OMIM 613348.
Breast-ovarian cancer, familial, susceptibility to, 5 (BROVCA5). Identifiers: MedGen C5830615, MONDO:0957530, OMIM 620442.
Hereditary cancer-predisposing syndrome. Also called: Hereditary Cancer Syndrome; Neoplastic Syndromes, Hereditary; Tumor predisposition; Hereditary neoplastic syndrome. Identifiers: Orphanet 140162, MedGen C0027672, MeSH D009386, MONDO:0015356.
Familial cancer of breast. Also called: Hereditary breast cancer; hereditary breast carcinoma; BREAST CANCER, FAMILIAL. Identifiers: Orphanet 227535, MedGen C0346153, MONDO:0016419, OMIM 114480. Disease mechanism: loss of function.

Allele frequency attached by ClinVar (database versions not stated): gnomAD below 0.00001 and 0.00001; gnomAD exomes 0.00004 and 0.00008; ExAC 0.00010.
gnomAD v4.1: 57 of 1,614,054 alleles (0.0035%); highest among the groups gnomAD compares: South Asian, 0.06%; no homozygotes.

Submissions (8):

Labcorp Genetics (formerly Invitae), Labcorp
Classification: Uncertain significance for Familial cancer of breast. Last evaluated: 2024-12-28. Review status: criteria provided, single submitter. Criteria: Invitae Variant Classification Sherloc (09022015). Collection method: clinical testing. Allele origin: germline.
Comment: This sequence change replaces isoleucine, which is neutral and non-polar, with valine, which is neutral and non-polar, at codon 195 of the PALB2 protein (p.Ile195Val). This variant is present in population databases (rs760784181, gnomAD 0.07%). This missense change has been observed in individual(s) with breast cancer or pancreatic cancer (PMID: 28779002, 36175305). ClinVar contains an entry for this variant (Variation ID: 231652). An algorithm developed to predict the effect of missense changes on protein structure and function outputs the following: PolyPhen-2: "Benign". The valine amino acid residue is found in multiple mammalian species, which suggests that this missense change does not adversely affect protein function. RNA analysis performed to evaluate the impact of this missense change on mRNA splicing indicates it does not significantly alter splicing (internal data). In summary, the available evidence is currently insufficient to determine the role of this variant in disease. Therefore, it has been classified as a Variant of Uncertain Significance.

Fulgent Genetics
Classification: Uncertain significance for Fanconi anemia complementation group N; Pancreatic cancer, susceptibility to, 3; Breast-ovarian cancer, familial, susceptibility to, 5. Last evaluated: 2024-03-13. Review status: criteria provided, single submitter. Criteria: ACMG Guidelines, 2015. Collection method: clinical testing. Allele origin: germline.

Department of Pathology and Laboratory Medicine, Sinai Health System
Classification: Uncertain significance for Breast-ovarian cancer, familial, susceptibility to, 5. Last evaluated: 2023-11-06. Review status: criteria provided, single submitter. Criteria: ACMG Guidelines, 2015. Collection method: clinical testing. Allele origin: germline. Affected: yes.

Ambry Genetics
Classification: Likely benign for Hereditary cancer-predisposing syndrome. Last evaluated: 2022-05-11. Review status: criteria provided, single submitter. Criteria: Ambry Variant Classification Scheme 2023. Collection method: clinical testing. Allele origin: germline.

Color Diagnostics, LLC DBA Color Health
Classification: Likely benign for Hereditary cancer-predisposing syndrome. Last evaluated: 2021-08-11. Review status: criteria provided, single submitter. Criteria: ACMG Guidelines, 2015. Collection method: clinical testing. Allele origin: germline.

Sema4
Classification: Uncertain significance for Hereditary cancer-predisposing syndrome. Last evaluated: 2021-08-03. Review status: criteria provided, single submitter. Criteria: Sema4 Curation Guidelines. Collection method: curation. Allele origin: germline.
Comment: The PALB2 c.583A>G (p.I195V) variant has been reported in heterozygosity in at least one individual with breast cancer and one with ulcerative colitis (PMID: 28779002, 28524162). It was observed in 20/30610 chromosomes of the South Asian subpopulation, with no homozygotes, in the large and broad cohorts of the Genome Aggregation Database (PMID: 32461654). The variant has been reported in ClinVar (Variation ID 231652). In silico tools suggest the impact of the variant on protein function is benign, though these predictions have not been confirmed by functional studies. Computational tools developed to predict the effect of sequence changes on RNA splicing suggest a creation of new splice donor site, but this prediction has not been confirmed by functional studies. The evidence is insufficient to meet ACMG/AMP criteria for classifying the variant as benign or pathogenic. Thus, the clinical significance of this variant is currently uncertain.

GeneDx
Classification: Uncertain significance. Last evaluated: 2019-11-08. Review status: criteria provided, single submitter. Criteria: GeneDx Variant Classification Process June 2021. Collection method: clinical testing. Allele origin: germline. Affected: yes.
Comment: While protein-based in silico analysis supports that this variant does not alter protein structure/function, splice predictors suggest this variant may impact gene splicing. In the absence of RNA or functional studies, the actual effect of this sequence change is unknown.; Observed in individuals with breast cancer (Decker 2017); This variant is associated with the following publications: (PMID: 28779002)

Leiden Open Variation Database
Classification: Uncertain significance. Last evaluated: 2019-05-13. Review status: no assertion criteria provided. Collection method: curation. Allele origin: germline. Affected: yes. Not counted in ClinVar's aggregate classification.
Comment: Curators: Marc Tischkowitz, Arleen D. Auerbach. Submitter to LOVD: Andreas Laner.

Literature cited by the submitters: PubMed 28779002 (cited by 3 submitters); PubMed 36175305 (cited by Labcorp Genetics (formerly Invitae), Labcorp); PubMed 28524162 (cited by Department of Pathology and Laboratory Medicine, Sinai Health System and Sema4).